The following is an entry in ClinVar:

ClinVar aggregate classification (germline): Uncertain significance. Review status: criteria provided, multiple submitters, no conflicts (2 of 4 stars). 2 submissions from 2 submitters: Uncertain significance (2). Last evaluated 2023-12-11.

Conditions:
Ataxia-telangiectasia-like disorder (ATLD). Identifiers: MedGen C1858391, MONDO:0011457.
Hereditary cancer-predisposing syndrome. Also called: Hereditary Cancer Syndrome; Neoplastic Syndromes, Hereditary; Tumor predisposition; Hereditary neoplastic syndrome. Identifiers: Orphanet 140162, MedGen C0027672, MeSH D009386, MONDO:0015356.

gnomAD v4.1: 1 of 1,612,758 alleles (0.000062%); highest among the groups gnomAD compares: Non-Finnish European, 0.000085%; no homozygotes.

Submissions (2):

Ambry Genetics
Classification: Uncertain significance for Hereditary cancer-predisposing syndrome. Last evaluated: 2023-12-11. Review status: criteria provided, single submitter. Criteria: Ambry Variant Classification Scheme 2023. Collection method: clinical testing. Allele origin: germline.
Comment: The p.D130G variant (also known as c.389A>G), located in coding exon 4 of the MRE11A gene, results from an A to G substitution at nucleotide position 389. The aspartic acid at codon 130 is replaced by glycine, an amino acid with similar properties. This amino acid position is conserved. In addition, this alteration is predicted to be deleterious by in silico analysis. Since supporting evidence is limited at this time, the clinical significance of this alteration remains unclear.

Labcorp Genetics (formerly Invitae), Labcorp
Classification: Uncertain significance for Ataxia-telangiectasia-like disorder. Last evaluated: 2018-12-31. Review status: criteria provided, single submitter. Criteria: Invitae Variant Classification Sherloc (09022015). Collection method: clinical testing. Allele origin: germline.
Comment: Algorithms developed to predict the effect of missense changes on protein structure and function (SIFT, PolyPhen-2, Align-GVGD) all suggest that this variant is likely to be disruptive, but these predictions have not been confirmed by published functional studies and their clinical significance is uncertain. This variant has not been reported in the literature in individuals with MRE11-related conditions. This variant is not present in population databases (ExAC no frequency). This sequence change replaces aspartic acid with glycine at codon 130 of the MRE11 protein (p.Asp130Gly). The aspartic acid residue is highly conserved and there is a moderate physicochemical difference between aspartic acid and glycine. In summary, the available evidence is currently insufficient to determine the role of this variant in disease. Therefore, it has been classified as a Variant of Uncertain Significance.

NM_005591.4(MRE11):c.389A>G (p.Asp130Gly)

Gene: MRE11 (MRE11 double strand break repair nuclease; minus strand). Cytogenetic location: 11q21.
Variant type: single nucleotide variant.
Coding change: c.389A>G on transcript NM_005591.4 (MANE Select); coding-DNA position 389, A replaced by G.
Protein change: p.Asp130Gly; replaces aspartic acid 130 with glycine.
Molecular consequence: missense variant.
Genome position (GRCh38, 1-based): chr11:94,479,687, T>C on the plus strand (A>G on the coding strand, the complement: MRE11 is on the minus strand). VCF-style: chr11-94479687-T-C. GRCh37 (hg19) VCF-style: chr11-94212853-T-C.
Other names: c.389A>G, p.Asp130Gly (NM_001330347.2, NM_005590.4); c.389A>G (NM_005591.3); short protein forms D130G.
Identifiers: ClinVar variation 1024201 (VCV001024201.9), dbSNP rs1946965303, ClinGen allele CA382378287.